The following is an entry in ClinVar:

ClinVar aggregate classification (germline): Benign/Likely benign. Review status: criteria provided, multiple submitters, no conflicts (2 of 4 stars). 2 submissions from 2 submitters: Benign (1); Likely benign (1). Last evaluated 2025-04-23.

Conditions:
Peutz-Jeghers syndrome (PJS). Also called: Peutz-Jeghers polyposis; Periorificial lentiginosis syndrome; POLYPOSIS, HAMARTOMATOUS INTESTINAL; POLYPS-AND-SPOTS SYNDROME. Identifiers: Orphanet 2869, MedGen C0031269, MeSH D010580, MONDO:0008280, OMIM 175200.

Submissions (2):

Labcorp Genetics (formerly Invitae), Labcorp
Classification: Likely benign for Peutz-Jeghers syndrome. Last evaluated: 2025-04-23. Review status: criteria provided, single submitter. Criteria: Invitae Variant Classification Sherloc (09022015). Collection method: clinical testing. Allele origin: germline.

Myriad Genetics, Inc.
Classification: Benign for Peutz-Jeghers syndrome. Last evaluated: 2025-03-28. Review status: criteria provided, single submitter. Criteria: Myriad Autosomal Dominant, Autosomal Recessive and X-Linked Classification Criteria (2023). Collection method: clinical testing. Allele origin: unknown.
Comment: This variant is considered benign. This variant is a silent/synonymous amino acid change and it is not expected to impact splicing.

NM_000455.5(STK11):c.1155C>T (p.Gly385=)

Gene: STK11 (serine/threonine kinase 11; plus strand). Cytogenetic location: 19p13.3.
Variant type: single nucleotide variant.
Coding change: c.1155C>T on transcript NM_000455.5 (MANE Select); coding-DNA position 1155, C replaced by T.
Protein change: p.Gly385=; no amino-acid change (glycine 385 retained).
Molecular consequence: synonymous variant.
Genome position (GRCh38, 1-based): chr19:1,226,500, C>T. VCF-style: chr19-1226500-C-T. GRCh37 (hg19) VCF-style: chr19-1226499-C-T.
Identifiers: ClinVar variation 1553437 (VCV001553437.9), dbSNP rs2145435988, ClinGen allele CA504708440.